The following is an entry in ClinVar:

NM_015978.3(TNNI3K):c.641A>G (p.Asn214Ser)

Genes: FPGT-TNNI3K (FPGT-TNNI3K readthrough; plus strand), TNNI3K (TNNI3 interacting kinase; plus strand). Cytogenetic location: 1p31.1.
Variant type: single nucleotide variant.
Coding change: c.641A>G on transcript NM_015978.3 (MANE Select); coding-DNA position 641, A replaced by G.
Protein change: p.Asn214Ser; replaces asparagine 214 with serine.
Molecular consequence: missense variant.
Genome position (GRCh38, 1-based): chr1:74,336,108, A>G. VCF-style: chr1-74336108-A-G. GRCh37 (hg19) VCF-style: chr1-74801792-A-G.
Other names: c.944A>G, p.Asn315Ser (NM_001112808.3, NM_001199327.2); short protein forms N315S, N214S.
Identifiers: ClinVar variation 1967003 (VCV001967003.5), dbSNP rs1178939945, ClinGen allele CA340780460.

ClinVar aggregate classification (germline): Uncertain significance (1 of 4 stars; one submission).

Allele frequency attached by ClinVar (database versions not stated): gnomAD exomes below 0.00001; TOPMed below 0.00001.
gnomAD v4.1: 1 of 1,604,914 alleles (0.000062%); highest among the groups gnomAD compares: Non-Finnish European, 0.000085%; no homozygotes.

Submission:

Labcorp Genetics (formerly Invitae), Labcorp
Classification: Uncertain significance. Last evaluated: 2022-08-07. Review status: criteria provided, single submitter. Criteria: Invitae Variant Classification Sherloc (09022015). Collection method: clinical testing. Allele origin: germline.
Comment: This sequence change replaces asparagine, which is neutral and polar, with serine, which is neutral and polar, at codon 214 of the TNNI3K protein (p.Asn214Ser). In summary, the available evidence is currently insufficient to determine the role of this variant in disease. Therefore, it has been classified as a Variant of Uncertain Significance. Algorithms developed to predict the effect of missense changes on protein structure and function output the following: SIFT: "Tolerated"; PolyPhen-2: "Benign"; Align-GVGD: "Class C0". The serine amino acid residue is found in multiple mammalian species, which suggests that this missense change does not adversely affect protein function. This variant has not been reported in the literature in individuals affected with TNNI3K-related conditions. This variant is not present in population databases (gnomAD no frequency).